The following is an entry in ClinVar:

ClinVar aggregate classification (germline): Uncertain significance. Review status: criteria provided, multiple submitters, no conflicts (2 of 4 stars). 2 submissions from 2 submitters: Uncertain significance (2). Last evaluated 2024-11-11.

Conditions:
Inborn genetic diseases. Identifiers: MedGen C0950123, MeSH D030342.

Allele frequency attached by ClinVar (database versions not stated): gnomAD exomes 0.00003; ExAC 0.00002.
gnomAD v4.1: 44 of 1,613,874 alleles (0.0027%); highest among the groups gnomAD compares: Middle Eastern, 0.016%; 1 homozygote.

Submissions (2):

Labcorp Genetics (formerly Invitae), Labcorp
Classification: Uncertain significance. Last evaluated: 2024-11-11. Review status: criteria provided, single submitter. Criteria: Invitae Variant Classification Sherloc (09022015). Collection method: clinical testing. Allele origin: germline.
Comment: This sequence change replaces tyrosine, which is neutral and polar, with cysteine, which is neutral and slightly polar, at codon 336 of the WDR62 protein (p.Tyr336Cys). This variant is present in population databases (rs749070653, gnomAD 0.009%). This variant has not been reported in the literature in individuals affected with WDR62-related conditions. ClinVar contains an entry for this variant (Variation ID: 1405077). Invitae Evidence Modeling of protein sequence and biophysical properties (such as structural, functional, and spatial information, amino acid conservation, physicochemical variation, residue mobility, and thermodynamic stability) indicates that this missense variant is not expected to disrupt WDR62 protein function with a negative predictive value of 80%. In summary, the available evidence is currently insufficient to determine the role of this variant in disease. Therefore, it has been classified as a Variant of Uncertain Significance.

Ambry Genetics
Classification: Uncertain significance for Inborn genetic diseases. Last evaluated: 2022-06-28. Review status: criteria provided, single submitter. Criteria: Ambry Variant Classification Scheme 2023. Collection method: clinical testing. Allele origin: germline.

NM_001083961.2(WDR62):c.1007A>G (p.Tyr336Cys)

Gene: WDR62 (WD repeat domain 62; plus strand). Cytogenetic location: 19q13.12.
Variant type: single nucleotide variant.
Coding change: c.1007A>G on transcript NM_001083961.2 (MANE Select); coding-DNA position 1007, A replaced by G.
Protein change: p.Tyr336Cys; replaces tyrosine 336 with cysteine.
Molecular consequence: missense variant.
Genome position (GRCh38, 1-based): chr19:36,071,680, A>G. VCF-style: chr19-36071680-A-G. GRCh37 (hg19) VCF-style: chr19-36562582-A-G.
Other names: c.1007A>G, p.Tyr336Cys (NM_173636.5); c.1007A>G (NM_001083961.1); short protein forms Y336C.
Identifiers: ClinVar variation 1405077 (VCV001405077.7), dbSNP rs749070653, ClinGen allele CA9395446.